The following is an entry in ClinVar:

NM_006306.4(SMC1A):c.1486dup (p.Arg496fs)

Gene: SMC1A (structural maintenance of chromosomes 1A; minus strand). Cytogenetic location: Xp11.22.
Variant type: Duplication.
Coding change: c.1486dup on transcript NM_006306.4 (MANE Select); coding-DNA position 1486, one base duplicated (C; older notation c.1486dupC).
Protein change: p.Arg496fs; shifts the reading frame from arginine 496.
Molecular consequence: frameshift variant.
Genome position (GRCh38, 1-based): chrX:53,409,121, G duplicated on the plus strand (C on the coding strand, the reverse complement: SMC1A is on the minus strand); the first of 2 consecutive G bases (chrX:53,409,121-53,409,122); duplicating either gives the same sequence. VCF-style (leftmost placement, unchanged base first): chrX-53409120-C-CG. GRCh37 (hg19) VCF-style: chrX-53436051-C-CG.
Other names: c.1420dup, p.Arg474fs (NM_001281463.1); short protein forms R474fs, R496fs.
Identifiers: ClinVar variation 3654778 (VCV003654778.2).

ClinVar aggregate classification (germline): Pathogenic (1 of 4 stars; one submission).

Conditions:
Congenital muscular hypertrophy-cerebral syndrome (CDLS2). Also called: SMC1A-Related Cornelia de Lange Syndrome; Cornelia de Lange syndrome 2. Identifiers: Orphanet 199, MedGen C1802395, MONDO:0010370, OMIM 300590.

Submission:

Labcorp Genetics (formerly Invitae), Labcorp
Classification: Pathogenic for Congenital muscular hypertrophy-cerebral syndrome. Last evaluated: 2024-05-27. Review status: criteria provided, single submitter. Criteria: Invitae Variant Classification Sherloc (09022015). Collection method: clinical testing. Allele origin: germline.
Comment: This sequence change creates a premature translational stop signal (p.Arg496Profs*26) in the SMC1A gene. It is expected to result in an absent or disrupted protein product. Loss-of-function variants in SMC1A are known to be pathogenic (PMID: 26386245, 27334371, 28166369, 28548707, 31334757). This variant is not present in population databases (gnomAD no frequency). This variant has not been reported in the literature in individuals affected with SMC1A-related conditions. For these reasons, this variant has been classified as Pathogenic.

Literature cited by the submitters: PubMed 26386245; PubMed 27334371; PubMed 28166369; PubMed 28548707; PubMed 31334757.